The following is an entry in ClinVar:

NM_001931.5(DLAT):c.878T>C (p.Ile293Thr)

Gene: DLAT (dihydrolipoamide S-acetyltransferase; plus strand). Cytogenetic location: 11q23.1.
Variant type: single nucleotide variant.
Coding change: c.878T>C on transcript NM_001931.5 (MANE Select); coding-DNA position 878, T replaced by C.
Protein change: p.Ile293Thr; replaces isoleucine 293 with threonine.
Molecular consequence: missense variant. On other transcripts: intron variant (2).
Genome position (GRCh38, 1-based): chr11:112,037,363, T>C. VCF-style: chr11-112037363-T-C. GRCh37 (hg19) VCF-style: chr11-111908087-T-C.
Other names: c.878T>C, p.Ile293Thr (NM_001372031.1, NM_001372032.1, NM_001372033.1 and 1 more transcripts); c.845T>C, p.Ile282Thr (NM_001372034.1); c.752T>C, p.Ile251Thr (NM_001372036.1); c.710T>C, p.Ile237Thr (NM_001372037.1); c.599T>C, p.Ile200Thr (NM_001372038.1); c.497T>C, p.Ile166Thr (NM_001372040.1); c.416T>C, p.Ile139Thr (NM_001372042.1); c.661-1881T>C (NM_001372039.1, NM_001372041.1); short protein forms I139T, I166T, I200T, I237T, I251T, I282T, I293T.
Identifiers: ClinVar variation 3392796 (VCV003392796.1).

ClinVar aggregate classification (germline): Uncertain significance (1 of 4 stars; one submission).

gnomAD v4.1: 3 of 1,614,034 alleles (0.00019%); highest among the groups gnomAD compares: African/African-American, 0.004%; no homozygotes.

Submission:

GeneDx
Classification: Uncertain significance. Last evaluated: 2024-06-26. Review status: criteria provided, single submitter. Criteria: GeneDx Variant Classification Process June 2021. Collection method: clinical testing. Allele origin: germline. Affected: yes.
Comment: In silico analysis supports that this missense variant has a deleterious effect on protein structure/function; Has not been previously published as pathogenic or benign to our knowledge